The following is an entry in ClinVar:

NM_004082.5(DCTN1):c.1456C>T (p.Arg486Trp)

Gene: DCTN1 (dynactin subunit 1; minus strand). Cytogenetic location: 2p13.1.
Variant type: single nucleotide variant.
Coding change: c.1456C>T on transcript NM_004082.5 (MANE Select); coding-DNA position 1456, C replaced by T.
Protein change: p.Arg486Trp; replaces arginine 486 with tryptophan.
Molecular consequence: missense variant. On other transcripts: non-coding transcript variant (1).
Genome position (GRCh38, 1-based): chr2:74,369,428, G>A on the plus strand (C>T on the coding strand, the complement: DCTN1 is on the minus strand). VCF-style: chr2-74369428-G-A. GRCh37 (hg19) VCF-style: chr2-74596555-G-A.
Other names: c.1396C>T, p.Arg466Trp (NM_001135040.3); c.1054C>T, p.Arg352Trp (NM_001135041.3, NM_023019.4); c.1345C>T, p.Arg449Trp (NM_001190836.2); c.1435C>T, p.Arg479Trp (NM_001190837.2); c.1405C>T, p.Arg469Trp (NM_001378991.1); c.1387C>T, p.Arg463Trp (NM_001378992.1); c.1456C>T (NM_004082.4); short protein forms R352W, R449W, R463W, R486W, R466W, R469W, R479W.
Identifiers: ClinVar variation 1037540 (VCV001037540.11), dbSNP rs759801622, ClinGen allele CA50476461.
Genomic context (GRCh38, chr2:74,369,428, plus strand): 5'-CTGCCTCCACACGCTTCTGGGCCTCACGAACCCGCGCGCCTGCCATGTCCAGCTGCTCCC[G>A]CAGCTCCAGTTCTGTCTCACGTGCATTCTCCTGCAGCTCATCGTTCATCTCATTCATCGC-3'
Protein context (NP_004073.2, residues 476-496): ENARETELEL[Arg486Trp]EQLDMAGARV

ClinVar aggregate classification (germline): Uncertain significance. Review status: criteria provided, multiple submitters, no conflicts (2 of 4 stars). 2 submissions from 2 submitters: Uncertain significance (2). Last evaluated 2023-11-28.

Conditions:
Amyotrophic lateral sclerosis type 1 (ALS1). Also called: AMYOTROPHIC LATERAL SCLEROSIS 1, FAMILIAL. Identifiers: Orphanet 803, MedGen C1862939, MONDO:0007103, OMIM 105400.
Neuronopathy, distal hereditary motor, type 7B. Also called: NEURONOPATHY, DISTAL HEREDITARY MOTOR, AUTOSOMAL DOMINANT 14; NEURONOPATHY, DISTAL HEREDITARY MOTOR, HARDING TYPE VIIB; NEUROPATHY, DISTAL HEREDITARY MOTOR, HARDING TYPE VIIB; NEUROPATHY, DISTAL HEREDITARY MOTOR, WITH VOCAL CORD PARALYSIS, HARDING TYPE VIIB; HMN VIIB; LOWER MOTOR NEURON DISEASE, DYNACTIN TYPE. Identifiers: Orphanet 139589, MedGen C1843315, MONDO:0011879, OMIM 607641.
Perry syndrome. Also called: PARKINSONISM WITH ALVEOLAR HYPOVENTILATION AND MENTAL DEPRESSION. Identifiers: Orphanet 178509, MedGen C1868594, MONDO:0008201, OMIM 168605.

Allele frequency attached by ClinVar (database versions not stated): gnomAD exomes below 0.00001; gnomAD 0.00001; TOPMed 0.00001.
gnomAD v4.1: 4 of 1,614,008 alleles (0.00025%); highest among the groups gnomAD compares: Non-Finnish European, 0.00034%; no homozygotes.

Submissions (2):

GeneDx
Classification: Uncertain significance. Last evaluated: 2023-11-28. Review status: criteria provided, single submitter. Criteria: GeneDx Variant Classification Process June 2021. Collection method: clinical testing. Allele origin: germline. Affected: yes.
Comment: Not observed at significant frequency in large population cohorts (gnomAD); In silico analysis supports that this missense variant has a deleterious effect on protein structure/function; Has not been previously published as pathogenic or benign to our knowledge

Labcorp Genetics (formerly Invitae), Labcorp
Classification: Uncertain significance for Amyotrophic lateral sclerosis type 1; Neuronopathy, distal hereditary motor, type 7B; Perry syndrome. Last evaluated: 2020-06-18. Review status: criteria provided, single submitter. Criteria: Invitae Variant Classification Sherloc (09022015). Collection method: clinical testing. Allele origin: germline.
Comment: In summary, the available evidence is currently insufficient to determine the role of this variant in disease. Therefore, it has been classified as a Variant of Uncertain Significance. Algorithms developed to predict the effect of missense changes on protein structure and function (SIFT, PolyPhen-2, Align-GVGD) all suggest that this variant is likely to be disruptive, but these predictions have not been confirmed by published functional studies and their clinical significance is uncertain. This variant has not been reported in the literature in individuals with DCTN1-related conditions. This variant is not present in population databases (ExAC no frequency). This sequence change replaces arginine with tryptophan at codon 486 of the DCTN1 protein (p.Arg486Trp). The arginine residue is highly conserved and there is a moderate physicochemical difference between arginine and tryptophan.